The following is an entry in ClinVar:

NM_001130009.3(GEN1):c.671A>C (p.Lys224Thr)

Gene: GEN1 (GEN1 structure-specific endonuclease; plus strand). Cytogenetic location: 2p24.2.
Variant type: single nucleotide variant.
Coding change: c.671A>C on transcript NM_001130009.3 (MANE Select); coding-DNA position 671, A replaced by C.
Protein change: p.Lys224Thr; replaces lysine 224 with threonine.
Molecular consequence: missense variant.
Genome position (GRCh38, 1-based): chr2:17,768,772, A>C. VCF-style: chr2-17768772-A-C. GRCh37 (hg19) VCF-style: chr2-17950039-A-C.
Other names: c.671A>C, p.Lys224Thr (NM_182625.5); short protein forms K224T.
Identifiers: ClinVar variation 1393838 (VCV001393838.6), dbSNP rs1335401253, ClinGen allele CA345913509.
Genomic context (GRCh38, chr2:17,768,772, plus strand): 5'-TTATTTTTTTTCCCACTTTCTGAAAGGGAGTCCCTGGAGTTGGAAAAGAGCAAGCATTAA[A>C]ACTTATACAGATTTTGAAAGGGCAAAGTTTACTTCAGAGGTAACTAATAATTACTTTCTC-3'
Protein context (NP_001123481.3, residues 214-234): VPGVGKEQAL[Lys224Thr]LIQILKGQSL

ClinVar aggregate classification (germline): Uncertain significance (1 of 4 stars; one submission).

Allele frequency attached by ClinVar (database versions not stated): gnomAD exomes below 0.00001; TOPMed 0.00002.
gnomAD v4.1: 2 of 1,611,760 alleles (0.00012%); highest among the groups gnomAD compares: Admixed American, 0.0033%; no homozygotes.

Submission:

Labcorp Genetics (formerly Invitae), Labcorp
Classification: Uncertain significance. Last evaluated: 2024-06-10. Review status: criteria provided, single submitter. Criteria: Invitae Variant Classification Sherloc (09022015). Collection method: clinical testing. Allele origin: germline.
Comment: This sequence change replaces lysine, which is basic and polar, with threonine, which is neutral and polar, at codon 224 of the GEN1 protein (p.Lys224Thr). This variant is present in population databases (no rsID available, gnomAD 0.003%). This variant has not been reported in the literature in individuals affected with GEN1-related conditions. ClinVar contains an entry for this variant (Variation ID: 1393838). An algorithm developed to predict the effect of missense changes on protein structure and function (PolyPhen-2) suggests that this variant is likely to be tolerated. In summary, the available evidence is currently insufficient to determine the role of this variant in disease. Therefore, it has been classified as a Variant of Uncertain Significance.